The following is an entry in ClinVar:

NM_001037.5(SCN1B):c.555C>G (p.Ile185Met)

Gene: SCN1B (sodium voltage-gated channel beta subunit 1; plus strand). Cytogenetic location: 19q13.11.
Variant type: single nucleotide variant.
Coding change: c.555C>G on transcript NM_001037.5 (MANE Select); coding-DNA position 555, C replaced by G.
Protein change: p.Ile185Met; replaces isoleucine 185 with methionine.
Molecular consequence: missense variant.
Genome position (GRCh38, 1-based): chr19:35,039,223, C>G. VCF-style: chr19-35039223-C-G. GRCh37 (hg19) VCF-style: chr19-35530127-C-G.
Other names: c.555C>G (NM_001037.4); c.456C>G, p.Ile152Met (NM_001321605.2); short protein forms I152M, I185M.
Identifiers: ClinVar variation 3703019 (VCV003703019.4).

ClinVar aggregate classification (germline): Uncertain significance. Review status: criteria provided, multiple submitters, no conflicts (2 of 4 stars). 2 submissions from 2 submitters: Uncertain significance (2). Last evaluated 2025-10-12.

Conditions:
Cardiovascular phenotype. Identifiers: MedGen CN230736.
Brugada syndrome 5 (BRGDA5). Identifiers: Orphanet 130, Orphanet 871, MedGen C2748541, MONDO:0013015, OMIM 612838.

gnomAD v4.1: 1 of 1,613,992 alleles (0.000062%); highest among the groups gnomAD compares: Non-Finnish European, 0.000085%; no homozygotes.

Submissions (2):

Ambry Genetics
Classification: Uncertain significance for Cardiovascular phenotype. Last evaluated: 2025-10-12. Review status: criteria provided, single submitter. Criteria: Ambry Variant Classification Scheme 2023. Collection method: clinical testing. Allele origin: germline.
Comment: The p.I185M variant (also known as c.555C>G), located in coding exon 4 of the SCN1B gene, results from a C to G substitution at nucleotide position 555. The isoleucine at codon 185 is replaced by methionine, an amino acid with highly similar properties. This amino acid position is conserved. In addition, the in silico prediction for this alteration is inconclusive. Based on the available evidence, the clinical significance of this variant remains unclear.

Labcorp Genetics (formerly Invitae), Labcorp
Classification: Uncertain significance for Brugada syndrome 5. Last evaluated: 2024-07-04. Review status: criteria provided, single submitter. Criteria: Invitae Variant Classification Sherloc (09022015). Collection method: clinical testing. Allele origin: germline.
Comment: The SCN1B gene has multiple clinically relevant transcripts. This variant occurs in alternate transcript NM_001037.4, and corresponds to NM_199037.3:c.*5125C>G in the primary transcript. This sequence change replaces isoleucine, which is neutral and non-polar, with methionine, which is neutral and non-polar, at codon 185 of the SCN1B protein (p.Ile185Met). This variant is not present in population databases (gnomAD no frequency). This variant has not been reported in the literature in individuals affected with SCN1B-related conditions. In summary, the available evidence is currently insufficient to determine the role of this variant in disease. Therefore, it has been classified as a Variant of Uncertain Significance.